The following is an entry in ClinVar:

NM_006118.4(HAX1):c.715A>G (p.Thr239Ala)

Gene: HAX1 (HCLS1 associated protein X-1; plus strand). Cytogenetic location: 1q21.3.
Variant type: single nucleotide variant.
Coding change: c.715A>G on transcript NM_006118.4 (MANE Select); coding-DNA position 715, A replaced by G.
Protein change: p.Thr239Ala; replaces threonine 239 with alanine.
Molecular consequence: missense variant.
Genome position (GRCh38, 1-based): chr1:154,275,444, A>G. VCF-style: chr1-154275444-A-G. GRCh37 (hg19) VCF-style: chr1-154247920-A-G.
Other names: c.571A>G, p.Thr191Ala (NM_001018837.2); short protein forms T239A, T191A.
Identifiers: ClinVar variation 4269022 (VCV004269022.1).

ClinVar aggregate classification (germline): Uncertain significance (1 of 4 stars; one submission).

Conditions:
Inborn genetic diseases. Identifiers: MedGen C0950123, MeSH D030342.

Submission:

Ambry Genetics
Classification: Uncertain significance for Inborn genetic diseases. Last evaluated: 2025-06-30. Review status: criteria provided, single submitter. Criteria: Ambry Variant Classification Scheme 2023. Collection method: clinical testing. Allele origin: germline.
Comment: The p.T239A variant (also known as c.715A>G), located in coding exon 6 of the HAX1 gene, results from an A to G substitution at nucleotide position 715. The threonine at codon 239 is replaced by alanine, an amino acid with similar properties. This amino acid position is conserved. In addition, the in silico prediction for this alteration is inconclusive. Based on the available evidence, the clinical significance of this variant remains unclear.